The following is an entry in ClinVar:

Conditions:
Breast-ovarian cancer, familial, susceptibility to, 1 (BROVCA1). Also called: BRCA1 Hereditary Breast and Ovarian Cancer; OVARIAN CANCER, SUSCEPTIBILITY TO. Identifiers: Orphanet 145, MedGen C2676676, MONDO:0011450, OMIM 604370. Disease mechanism: loss of function.

Submission:

Brotman Baty Institute, University of Washington
No classification provided (evidence only). Condition: Breast-ovarian cancer, familial 1. Review status: no classification provided. Collection method: in vitro. Allele origin: not applicable. Functional consequence: functionally_normal.
ClinVar note: "not provided" was previously submitted as the classification for the variant. However, the classification appeared to be based only on an observation of functional data so it was converted to no classification on 2025-07-30.

NM_007294.4(BRCA1):c.5406+16C>A

Gene: BRCA1 (BRCA1 DNA repair associated; minus strand). Cytogenetic location: 17q21.31.
Variant type: single nucleotide variant.
Coding change: c.5406+16C>A on transcript NM_007294.4 (MANE Select); 16 bases into the intron after coding-DNA position 5406, C replaced by A.
Molecular consequence: intron variant.
Genome position (GRCh38, 1-based): chr17:43,049,105, G>T on the plus strand (C>A on the coding strand, the complement: BRCA1 is on the minus strand). VCF-style: chr17-43049105-G-T. GRCh37 (hg19) VCF-style: chr17-41201122-G-T.
Other names: c.1953+16C>A (NM_001408458.1, NM_001408461.1, NM_001408464.1 and 7 more transcripts); c.4515+16C>A (NM_001407967.1); c.5025+16C>A (NM_001407959.1); c.5139+16C>A (NM_001407931.1, NM_001407932.1, NM_001407928.1 and 4 more transcripts); c.5262+16C>A (NM_001407747.1, NM_001407745.1, NM_001407737.1 and 18 more transcripts); c.5022+16C>A (NM_001407962.1, NM_001407960.1); c.1593+16C>A (NM_001408512.1); c.1716+16C>A (NM_001408510.1); and 84 more.
Identifiers: ClinVar variation 865443 (VCV000865443.3), dbSNP rs778962676, ClinGen allele CA916080819.